The following is an entry in ClinVar:

NM_002821.5(PTK7):c.1077G>A (p.Ala359=)

Gene: PTK7 (protein tyrosine kinase 7 (inactive); plus strand). Cytogenetic location: 6p21.1.
Variant type: single nucleotide variant.
Coding change: c.1077G>A on transcript NM_002821.5 (MANE Select); coding-DNA position 1077, G replaced by A.
Protein change: p.Ala359=; no amino-acid change (alanine 359 retained).
Molecular consequence: synonymous variant. On other transcripts: non-coding transcript variant (2).
Genome position (GRCh38, 1-based): chr6:43,132,536, G>A. VCF-style: chr6-43132536-G-A. GRCh37 (hg19) VCF-style: chr6-43100274-G-A.
Other names: c.1101G>A, p.Ala367= (NM_001270398.2); c.1077G>A, p.Ala359= (NM_152880.4, NM_152881.4, NM_152882.4); c.1077G>A (NM_002821.4).
Identifiers: ClinVar variation 768094 (VCV000768094.6), dbSNP rs61996308, ClinGen allele CA3815940.

ClinVar aggregate classification (germline): Benign. Review status: criteria provided, single submitter (1 of 4 stars). 2 submissions from 2 submitters: Benign (1). 1 of the submissions does not count toward it. Last evaluated 2019-12-31.

Conditions:
PTK7-related disorder. Also called: PTK7-related condition.

Allele frequency attached by ClinVar (database versions not stated): ESP Exome Variant Server 0.00408; 1000 Genomes Project 30x 0.00593; 1000 Genomes Project 0.00599; TOPMed 0.00348.
gnomAD v4.1: 1,154 of 1,613,512 alleles (0.072%); highest among the groups gnomAD compares: African/African-American, 1.3%; 7 homozygotes.

Submissions (2):

Labcorp Genetics (formerly Invitae), Labcorp
Classification: Benign. Last evaluated: 2019-12-31. Review status: criteria provided, single submitter. Criteria: Invitae Variant Classification Sherloc (09022015). Collection method: clinical testing. Allele origin: germline.

PreventionGenetics, part of Exact Sciences
Classification: Benign for PTK7-related condition. Last evaluated: 2019-06-11. Review status: no assertion criteria provided. Collection method: clinical testing. Allele origin: germline. Not counted in ClinVar's aggregate classification.
Comment: This variant is classified as benign based on ACMG/AMP sequence variant interpretation guidelines (Richards et al. 2015 PMID: 25741868, with internal and published modifications).